The following is an entry in ClinVar:

ClinVar aggregate classification (germline): Uncertain significance (1 of 4 stars; one submission).

Conditions:
EGFR-related lung cancer (EGFR). Identifiers: MedGen CN130014.

Submission:

Labcorp Genetics (formerly Invitae), Labcorp
Classification: Uncertain significance for EGFR-related lung cancer. Last evaluated: 2023-07-28. Review status: criteria provided, single submitter. Criteria: Invitae Variant Classification Sherloc (09022015). Collection method: clinical testing. Allele origin: germline.
Comment: This sequence change replaces serine, which is neutral and polar, with proline, which is neutral and non-polar, at codon 1030 of the EGFR protein (p.Ser1030Pro). This variant is not present in population databases (gnomAD no frequency). This variant has not been reported in the literature in individuals affected with EGFR-related conditions. An algorithm developed to predict the effect of missense changes on protein structure and function (PolyPhen-2) suggests that this variant is likely to be disruptive. In summary, the available evidence is currently insufficient to determine the role of this variant in disease. Therefore, it has been classified as a Variant of Uncertain Significance.

NM_005228.5(EGFR):c.3088T>C (p.Ser1030Pro)

Gene: EGFR (epidermal growth factor receptor; plus strand). Cytogenetic location: 7p11.2.
Variant type: single nucleotide variant.
Coding change: c.3088T>C on transcript NM_005228.5 (MANE Select); coding-DNA position 3088, T replaced by C.
Protein change: p.Ser1030Pro; replaces serine 1030 with proline.
Molecular consequence: missense variant.
Genome position (GRCh38, 1-based): chr7:55,201,329, T>C. VCF-style: chr7-55201329-T-C. GRCh37 (hg19) VCF-style: chr7-55269022-T-C.
Other names: c.2953T>C, p.Ser985Pro (NM_001346897.2, NM_001346899.2); c.3088T>C, p.Ser1030Pro (NM_001346898.2); c.2929T>C, p.Ser977Pro (NM_001346900.2); c.2287T>C, p.Ser763Pro (NM_001346941.2); short protein forms S1030P, S763P, S985P, S977P.
Identifiers: ClinVar variation 2807956 (VCV002807956.3), dbSNP rs2128971739, ClinGen allele CA367582722.
Genomic context (GRCh38, chr7:55,201,329, plus strand): 5'-GTGGTGGATGCCGACGAGTACCTCATCCCACAGCAGGGCTTCTTCAGCAGCCCCTCCACG[T>C]CACGGACTCCCCTCCTGAGCTCTCTGGTATGAAATCTCTGTCTCTCTCTCTCTCTCAAGC-3'
Protein context (NP_005219.2, residues 1020-1040): QQGFFSSPST[Ser1030Pro]RTPLLSSLSA